The following is an entry in ClinVar:

ClinVar aggregate classification (germline): Uncertain significance. Review status: criteria provided, multiple submitters, no conflicts (2 of 4 stars). 2 submissions from 2 submitters: Uncertain significance (2). Last evaluated 2026-02-04.

gnomAD v4.1: 3 of 1,609,358 alleles (0.00019%); highest among the groups gnomAD compares: Non-Finnish European, 0.00025%; no homozygotes.

Submissions (2):

GeneDx
Classification: Uncertain significance. Last evaluated: 2026-02-04. Review status: criteria provided, single submitter. Criteria: GeneDx Variant Classification Process June 2021. Collection method: clinical testing. Allele origin: germline.
Comment: Not observed at significant frequency in large population cohorts (gnomAD); In silico analysis supports that this missense variant has a deleterious effect on protein structure/function; Has not been previously published as pathogenic or benign to our knowledge

Labcorp Genetics (formerly Invitae), Labcorp
Classification: Uncertain significance. Last evaluated: 2024-10-24. Review status: criteria provided, single submitter. Criteria: Invitae Variant Classification Sherloc (09022015). Collection method: clinical testing. Allele origin: germline.
Comment: This sequence change replaces glutamic acid, which is acidic and polar, with glycine, which is neutral and non-polar, at codon 584 of the RIN2 protein (p.Glu584Gly). The frequency data for this variant in the population databases is considered unreliable, as metrics indicate poor data quality at this position in the gnomAD database. This variant has not been reported in the literature in individuals affected with RIN2-related conditions. Experimental studies and prediction algorithms are not available or were not evaluated, and the functional significance of this variant is currently unknown. In summary, the available evidence is currently insufficient to determine the role of this variant in disease. Therefore, it has been classified as a Variant of Uncertain Significance.

NM_018993.4(RIN2):c.1751A>G (p.Glu584Gly)

Gene: RIN2 (Ras and Rab interactor 2; plus strand). Cytogenetic location: 20p11.23.
Variant type: single nucleotide variant.
Coding change: c.1751A>G on transcript NM_018993.4 (MANE Select); coding-DNA position 1751, A replaced by G.
Protein change: p.Glu584Gly; replaces glutamic acid 584 with glycine.
Molecular consequence: missense variant.
Genome position (GRCh38, 1-based): chr20:19,975,776, A>G. VCF-style: chr20-19975776-A-G. GRCh37 (hg19) VCF-style: chr20-19956420-A-G.
Other names: c.1898A>G, p.Glu633Gly (NM_001242581.2); c.1133A>G, p.Glu378Gly (NM_001378238.1); c.1751A>G (NM_018993.3); short protein forms E378G, E584G, E633G.
Identifiers: ClinVar variation 3693263 (VCV003693263.3).